The following is an entry in ClinVar:

ClinVar aggregate classification (germline): Benign/Likely benign. Review status: criteria provided, multiple submitters, no conflicts (2 of 4 stars). 7 submissions from 7 submitters: Benign (4); Likely benign (2). 1 of the submissions does not count toward it. Last evaluated 2026-02-01.

Conditions:
MCPH1-related disorder. Also called: MCPH1-related condition.
Microcephaly 1, primary, autosomal recessive (MCPH1). Also called: PREMATURE CHROMOSOME CONDENSATION SYNDROME; PCC SYNDROME; PREMATURE CHROMOSOME CONDENSATION WITH MICROCEPHALY AND MENTAL RETARDATION. Identifiers: Orphanet 2512, MedGen C1855081, MONDO:0009617, OMIM 251200.

Allele frequency attached by ClinVar (database versions not stated): gnomAD exomes 0.00033 and 0.00082; ExAC 0.00086; gnomAD 0.00319 and 0.00334; TOPMed 0.00343; ESP Exome Variant Server 0.00348; 1000 Genomes Project 0.00479; 1000 Genomes Project 30x 0.00562.
gnomAD v4.1: 988 of 1,614,078 alleles (0.061%); highest among the groups gnomAD compares: African/African-American, 1.1%; 10 homozygotes.

Submissions (7):

Labcorp Genetics (formerly Invitae), Labcorp
Classification: Benign. Last evaluated: 2026-02-01. Review status: criteria provided, single submitter. Criteria: Invitae Variant Classification Sherloc (09022015). Collection method: clinical testing. Allele origin: germline.

GeneDx
Classification: Likely benign. Last evaluated: 2022-02-02. Review status: criteria provided, single submitter. Criteria: GeneDx Variant Classification Process June 2021. Collection method: clinical testing. Allele origin: germline. Affected: yes.

Athena Diagnostics
Classification: Benign. Last evaluated: 2018-01-25. Review status: criteria provided, single submitter. Criteria: Athena Diagnostics Criteria. Collection method: clinical testing. Allele origin: germline.

Illumina Laboratory Services, Illumina
Classification: Benign for Microcephaly 1, primary, autosomal recessive. Last evaluated: 2017-10-03. Review status: criteria provided, single submitter. Criteria: ICSL Variant Classification Criteria 13 December 2019. Collection method: clinical testing. Allele origin: germline.
Comment: This variant was observed as part of a predisposition screen in an ostensibly healthy population. A literature search was performed for the gene, cDNA change, and amino acid change (where applicable). Publications were found based on this search. The evidence from the literature, in combination with allele frequency data from public databases where available, was sufficient to rule this variant out of causing disease. Therefore, this variant is classified as benign.

Eurofins Ntd Llc (ga)
Classification: Benign. Last evaluated: 2016-05-05. Review status: criteria provided, single submitter. Criteria: EGL Classification Definitions 2015. Collection method: clinical testing. Allele origin: germline. Observed: 3 variant alleles, 3 heterozygotes.

Breakthrough Genomics
Classification: Likely benign. Review status: criteria provided, single submitter. Criteria: ACMG Guidelines, 2015. Collection method: not provided. Allele origin: germline. Inheritance: Autosomal recessive inheritance. Affected: yes.

PreventionGenetics, part of Exact Sciences
Classification: Likely benign for MCPH1-related condition. Last evaluated: 2024-08-13. Review status: no assertion criteria provided. Collection method: clinical testing. Allele origin: germline. Not counted in ClinVar's aggregate classification.
Comment: This variant is classified as likely benign based on ACMG/AMP sequence variant interpretation guidelines (Richards et al. 2015 PMID: 25741868, with internal and published modifications).

Literature cited by the submitters: PubMed 20949544 (cited by Athena Diagnostics and Illumina Laboratory Services, Illumina).

NM_024596.5(MCPH1):c.989A>G (p.Tyr330Cys)

Gene: MCPH1 (microcephalin 1; plus strand). Cytogenetic location: 8p23.1.
Variant type: single nucleotide variant.
Coding change: c.989A>G on transcript NM_024596.5 (MANE Select); coding-DNA position 989, A replaced by G.
Protein change: p.Tyr330Cys; replaces tyrosine 330 with cysteine.
Molecular consequence: missense variant. On other transcripts: non-coding transcript variant (1).
Genome position (GRCh38, 1-based): chr8:6,444,711, A>G. VCF-style: chr8-6444711-A-G. GRCh37 (hg19) VCF-style: chr8-6302232-A-G.
Other names: c.989A>G (NM_001322042.1); c.989A>G, p.Tyr330Cys (NM_001172574.2, NM_001322042.2, NM_001363979.1 and 1 more transcripts); c.845A>G, p.Tyr282Cys (NM_001172575.2); c.983A>G, p.Tyr328Cys (NM_001322043.2); c.887A>G, p.Tyr296Cys (NM_001322045.2); short protein forms Y330C, Y296C, Y282C, Y328C.
Identifiers: ClinVar variation 287122 (VCV000287122.20), dbSNP rs115088000, ClinGen allele CA4610426.